The following is an entry in ClinVar:

ClinVar aggregate classification (germline): Uncertain significance. Review status: criteria provided, multiple submitters, no conflicts (2 of 4 stars). 2 submissions from 2 submitters: Uncertain significance (2). Last evaluated 2023-03-01.

Conditions:
Inborn genetic diseases. Identifiers: MedGen C0950123, MeSH D030342.
Hearing loss, autosomal dominant 83. Also called: Deafness, autosomal dominant 83. Identifiers: MedGen C5676951, MONDO:0030723, OMIM 619808.

Submissions (2):

Neuberg Centre For Genomic Medicine, NCGM
Classification: Uncertain significance for Hearing loss, autosomal dominant 83. Last evaluated: 2023-03-01. Review status: criteria provided, single submitter. Criteria: ACMG Guidelines, 2015. Collection method: clinical testing. Allele origin: germline. Inheritance: Autosomal dominant inheritance. Affected: yes.
Comment: The missense variant c.4646T>G(p.Val1549Gly) in MAP1B gene has not been reported previously as a pathogenic variant nor as a benign variant, to our knowledge. The variant is novel (not in any individuals) in gnomAD Exomes and 1000 Genomes. The amino acid Valine at position 1549 is changed to a Glycine changing protein sequence and it might alter its composition and physico-chemical properties. The variant is predicted to be damaging by SIFT. The amino acid change p.Val1549Gly in MAP1B is predicted as conserved by GERP++ and PhyloP across 100 vertebrates. For these reasons, this variant has been classified as Uncertain Significance.

Ambry Genetics
Classification: Uncertain significance for Inborn genetic diseases. Last evaluated: 2022-12-06. Review status: criteria provided, single submitter. Criteria: Ambry Variant Classification Scheme 2023. Collection method: clinical testing. Allele origin: germline.
Comment: The c.4646T>G (p.V1549G) alteration is located in exon 5 (coding exon 5) of the MAP1B gene. This alteration results from a T to G substitution at nucleotide position 4646, causing the valine (V) at amino acid position 1549 to be replaced by a glycine (G). This variant was not reported in population-based cohorts in the Genome Aggregation Database (gnomAD). This amino acid position is highly conserved in available vertebrate species. This alteration is predicted to be tolerated by in silico analysis. Based on insufficient or conflicting evidence, the clinical significance of this alteration remains unclear.

NM_005909.5(MAP1B):c.4646T>G (p.Val1549Gly)

Gene: MAP1B (microtubule associated protein 1B; plus strand). Cytogenetic location: 5q13.2.
Variant type: single nucleotide variant.
Coding change: c.4646T>G on transcript NM_005909.5 (MANE Select); coding-DNA position 4646, T replaced by G.
Protein change: p.Val1549Gly; replaces valine 1549 with glycine.
Molecular consequence: missense variant.
Genome position (GRCh38, 1-based): chr5:72,198,001, T>G. VCF-style: chr5-72198001-T-G. GRCh37 (hg19) VCF-style: chr5-71493828-T-G.
Other names: c.4268T>G, p.Val1423Gly (NM_001324255.2); short protein forms V1423G, V1549G.
Identifiers: ClinVar variation 2284909 (VCV002284909.4), dbSNP rs1747226044, ClinGen allele CA360016787.